The following is an entry in ClinVar:

NM_152419.3(HGSNAT):c.1712C>T (p.Pro571Leu)

Gene: HGSNAT (heparan-alpha-glucosaminide N-acetyltransferase; plus strand). Cytogenetic location: 8p11.21.
Variant type: single nucleotide variant.
Coding change: c.1712C>T on transcript NM_152419.3 (MANE Select); coding-DNA position 1712, C replaced by T.
Protein change: p.Pro571Leu; replaces proline 571 with leucine.
Molecular consequence: missense variant.
Genome position (GRCh38, 1-based): chr8:43,197,938, C>T. VCF-style: chr8-43197938-C-T. GRCh37 (hg19) VCF-style: chr8-43053081-C-T.
Other names: c.1799C>T, p.Pro600Leu (NM_001363227.2); c.1520C>T, p.Pro507Leu (NM_001363228.2); c.848C>T, p.Pro283Leu (NM_001363229.2); short protein forms P283L, P507L, P571L, P600L.
Identifiers: ClinVar variation 4069291 (VCV004069291.2).

ClinVar aggregate classification (germline): Likely pathogenic (1 of 4 stars; one submission).

Conditions:
Mucopolysaccharidosis, MPS-III-C (MPS3C). Also called: SANFILIPPO SYNDROME C; MPS III C; mucopolysaccharidosis type 3C; MPS IIIC (Sanfilippo Syndrome Type C); MUCOPOLYSACCHARIDOSIS, TYPE IIIC; Mucopolysaccharidosis type IIIC (Sanfilippo C). Identifiers: Orphanet 581, Orphanet 79271, MedGen C0086649, MONDO:0009657, OMIM 252930.

gnomAD v4.1: 1 of 1,612,804 alleles (0.000062%); no homozygotes.

Submission:

Natera, Inc.
Classification: Likely pathogenic for Mucopolysaccharidosis type IIIC. Last evaluated: 2025-04-15. Review status: criteria provided, single submitter. Criteria: Natera Variant Classification Schema (03/2026). Collection method: clinical testing. Allele origin: germline.
Comment: The c.1712C>T variant in HGSNAT is a missense variant predicted to cause substitution of proline to leucine at amino acid 571. This variant is rare in the general population with a frequency below the threshold expected for the associated phenotype(s). This variant has been observed in one or more individuals affected with the associated recessive disease, as either homozygous or compound heterozygous with a second variant (PMID: 17033958). Functional studies show that this variant may disrupt protein function (PMID: 19823584, 20583299). Computational prediction algorithms indicate this variant is likely to affect gene or protein function. Given the available evidence, this variant is classified as Likely Pathogenic.

Literature cited by the submitters: PubMed 17033958; PubMed 19823584; PubMed 20583299.